The following is an entry in ClinVar:

NM_000466.3(PEX1):c.2989G>C (p.Gly997Arg)

Genes: PEX1 (peroxisomal biogenesis factor 1; minus strand), GATAD1 (GATA zinc finger domain containing 1; plus strand). Cytogenetic location: 7q21.2.
Variant type: single nucleotide variant.
Coding change: c.2989G>C on transcript NM_000466.3 (MANE Select); coding-DNA position 2989, G replaced by C.
Protein change: p.Gly997Arg; replaces glycine 997 with arginine.
Molecular consequence: missense variant.
Genome position (GRCh38, 1-based): chr7:92,494,334, C>G on the plus strand (G>C on the coding strand, the complement: PEX1 is on the minus strand). VCF-style: chr7-92494334-C-G. GRCh37 (hg19) VCF-style: chr7-92123648-C-G.
Other names: c.2818G>C, p.Gly940Arg (NM_001282677.2); c.2365G>C, p.Gly789Arg (NM_001282678.2); short protein forms G789R, G997R, G940R.
Identifiers: ClinVar variation 2068710 (VCV002068710.3), dbSNP rs1259318173, ClinGen allele CA368167425.

ClinVar aggregate classification (germline): Uncertain significance (1 of 4 stars; one submission).

Conditions:
Zellweger spectrum disorders (ZS). Also called: Zellweger Spectrum Disorder (ZSD); Zellweger syndrome; Zellweger Spectrum Disorder; Zellweger Spectrum. Identifiers: Orphanet 912, MedGen C0043459, MONDO:0019609.

gnomAD v4.1: 2 of 1,613,952 alleles (0.00012%); highest among the groups gnomAD compares: Non-Finnish European, 0.00017%; no homozygotes.

Submission:

Labcorp Genetics (formerly Invitae), Labcorp
Classification: Uncertain significance for Zellweger spectrum disorders. Last evaluated: 2022-01-01. Review status: criteria provided, single submitter. Criteria: Invitae Variant Classification Sherloc (09022015). Collection method: clinical testing. Allele origin: germline.
Comment: This variant is present in population databases (no rsID available, gnomAD 0.002%). This sequence change replaces glycine, which is neutral and non-polar, with arginine, which is basic and polar, at codon 997 of the PEX1 protein (p.Gly997Arg). This variant has not been reported in the literature in individuals affected with PEX1-related conditions. Advanced modeling of protein sequence and biophysical properties (such as structural, functional, and spatial information, amino acid conservation, physicochemical variation, residue mobility, and thermodynamic stability) performed at Invitae indicates that this missense variant is expected to disrupt PEX1 protein function. In summary, the available evidence is currently insufficient to determine the role of this variant in disease. Therefore, it has been classified as a Variant of Uncertain Significance.